The following is an entry in ClinVar:

ClinVar aggregate classification (germline): Uncertain significance (1 of 4 stars; one submission).

Conditions:
Leber congenital amaurosis 3 (LCA3). Also called: SPATA7-Related Retinitis Pigmentosa. Identifiers: MedGen C1858677, MONDO:0011415, OMIM 604232.

Allele frequency attached by ClinVar (database versions not stated): gnomAD exomes below 0.00001; ExAC 0.00001.
gnomAD v4.1: 2 of 1,614,138 alleles (0.00012%); highest among the groups gnomAD compares: Non-Finnish European, 0.000085%; no homozygotes.

Submission:

Labcorp Genetics (formerly Invitae), Labcorp
Classification: Uncertain significance for Leber congenital amaurosis 3. Last evaluated: 2024-11-11. Review status: criteria provided, single submitter. Criteria: Invitae Variant Classification Sherloc (09022015). Collection method: clinical testing. Allele origin: germline.
Comment: This sequence change replaces isoleucine, which is neutral and non-polar, with valine, which is neutral and non-polar, at codon 541 of the SPATA7 protein (p.Ile541Val). This variant is present in population databases (rs780618807, gnomAD 0.0009%). This variant has not been reported in the literature in individuals affected with SPATA7-related conditions. ClinVar contains an entry for this variant (Variation ID: 2188680). Invitae Evidence Modeling of protein sequence and biophysical properties (such as structural, functional, and spatial information, amino acid conservation, physicochemical variation, residue mobility, and thermodynamic stability) indicates that this missense variant is not expected to disrupt SPATA7 protein function with a negative predictive value of 80%. In summary, the available evidence is currently insufficient to determine the role of this variant in disease. Therefore, it has been classified as a Variant of Uncertain Significance.

NM_018418.5(SPATA7):c.1621A>G (p.Ile541Val)

Gene: SPATA7 (spermatogenesis associated 7; plus strand). Cytogenetic location: 14q31.3.
Variant type: single nucleotide variant.
Coding change: c.1621A>G on transcript NM_018418.5 (MANE Select); coding-DNA position 1621, A replaced by G.
Protein change: p.Ile541Val; replaces isoleucine 541 with valine.
Molecular consequence: missense variant.
Genome position (GRCh38, 1-based): chr14:88,438,243, A>G. VCF-style: chr14-88438243-A-G. GRCh37 (hg19) VCF-style: chr14-88904587-A-G.
Other names: c.1525A>G, p.Ile509Val (NM_001040428.4); short protein forms I541V, I509V.
Identifiers: ClinVar variation 2188680 (VCV002188680.4), dbSNP rs780618807, ClinGen allele CA7298843.